The following is an entry in ClinVar:

NM_015202.5(KATNIP):c.3719C>T (p.Ala1240Val)

Gene: KATNIP (katanin interacting protein; plus strand). Cytogenetic location: 16p12.1.
Variant type: single nucleotide variant.
Coding change: c.3719C>T on transcript NM_015202.5 (MANE Select); coding-DNA position 3719, C replaced by T.
Protein change: p.Ala1240Val; replaces alanine 1240 with valine.
Molecular consequence: missense variant.
Genome position (GRCh38, 1-based): chr16:27,761,500, C>T. VCF-style: chr16-27761500-C-T. GRCh37 (hg19) VCF-style: chr16-27772821-C-T.
Other names: short protein forms A1240V.
Identifiers: ClinVar variation 783064 (VCV000783064.40), dbSNP rs55953014, ClinGen allele CA7978358.

ClinVar aggregate classification (germline): Benign/Likely benign. Review status: criteria provided, multiple submitters, no conflicts (2 of 4 stars). 4 submissions from 4 submitters: Benign (3); Likely benign (1). Last evaluated 2026-09-01.

Conditions:
Joubert syndrome 26 (JBTS26). Identifiers: Orphanet 475, MedGen C4084843, MONDO:0014771, OMIM 616784.

Allele frequency attached by ClinVar (database versions not stated): 1000 Genomes Project 30x 0.00593; 1000 Genomes Project 0.00599; TOPMed 0.00783; gnomAD 0.00903 and 0.00935; gnomAD exomes 0.00904 and 0.01188; ExAC 0.00919; ESP Exome Variant Server 0.00939.
gnomAD v4.1: 18,648 of 1,614,058 alleles (1.2%); highest among the groups gnomAD compares: Non-Finnish European, 1.4%; 163 homozygotes.

Submissions (14):

CeGaT Center for Human Genetics Tuebingen
Classification: Benign. Last evaluated: 2026-09-01. Review status: criteria provided, single submitter. Criteria: CeGaT Center For Human Genetics Tuebingen Variant Classification Criteria Version 2. Collection method: clinical testing. Allele origin: germline. Affected: yes. Observed: 29 variant alleles.
Comment: KATNIP: BP4, BS1, BS2

Labcorp Genetics (formerly Invitae), Labcorp
Classification: Benign. Last evaluated: 2026-01-12. Review status: criteria provided, single submitter. Criteria: Invitae Variant Classification Sherloc (09022015). Collection method: clinical testing. Allele origin: germline.

Fulgent Genetics
Classification: Likely benign for Joubert syndrome 26. Last evaluated: 2021-11-08. Review status: criteria provided, single submitter. Criteria: ACMG Guidelines, 2015. Collection method: clinical testing. Allele origin: unknown.

Breakthrough Genomics
Classification: Benign. Review status: criteria provided, single submitter. Criteria: ACMG Guidelines, 2015. Collection method: not provided. Allele origin: germline. Inheritance: Autosomal recessive inheritance. Affected: yes.

Dr. Peter K. Rogan Lab, Western University
No classification provided (evidence only). Condition: Melanoma. Review status: no classification provided. Collection method: in vitro. Allele origin: not applicable. Functional consequence: retained intron. Not counted in ClinVar's aggregate classification.

Dr. Peter K. Rogan Lab, Western University
No classification provided (evidence only). Condition: Acute myeloid leukemia. Review status: no classification provided. Collection method: in vitro. Allele origin: not applicable. Functional consequence: retained intron. Not counted in ClinVar's aggregate classification.

Dr. Peter K. Rogan Lab, Western University
No classification provided (evidence only). Condition: Colon adenocarcinoma. Review status: no classification provided. Collection method: in vitro. Allele origin: not applicable. Functional consequence: retained intron. Not counted in ClinVar's aggregate classification.

Dr. Peter K. Rogan Lab, Western University
No classification provided (evidence only). Condition: Thyroid cancer, nonmedullary, 1. Review status: no classification provided. Collection method: in vitro. Allele origin: not applicable. Functional consequence: retained intron. Not counted in ClinVar's aggregate classification.

Dr. Peter K. Rogan Lab, Western University
No classification provided (evidence only). Condition: Thyroid cancer, nonmedullary, 1. Review status: no classification provided. Collection method: in vitro. Allele origin: not applicable. Functional consequence: retained intron. Not counted in ClinVar's aggregate classification.

Dr. Peter K. Rogan Lab, Western University
No classification provided (evidence only). Condition: Sarcoma. Review status: no classification provided. Collection method: in vitro. Allele origin: not applicable. Functional consequence: retained intron. Not counted in ClinVar's aggregate classification.

Dr. Peter K. Rogan Lab, Western University
No classification provided (evidence only). Condition: Sarcoma. Review status: no classification provided. Collection method: in vitro. Allele origin: not applicable. Functional consequence: retained intron. Not counted in ClinVar's aggregate classification.

Dr. Peter K. Rogan Lab, Western University
No classification provided (evidence only). Condition: Cholangiocarcinoma. Review status: no classification provided. Collection method: in vitro. Allele origin: not applicable. Functional consequence: retained intron. Not counted in ClinVar's aggregate classification.

Dr. Peter K. Rogan Lab, Western University
No classification provided (evidence only). Condition: Adrenocortical carcinoma, hereditary. Review status: no classification provided. Collection method: in vitro. Allele origin: not applicable. Functional consequence: retained intron. Not counted in ClinVar's aggregate classification.

Dr. Peter K. Rogan Lab, Western University
No classification provided (evidence only). Condition: Malignant tumor of esophagus. Review status: no classification provided. Collection method: in vitro. Allele origin: not applicable. Functional consequence: retained intron. Not counted in ClinVar's aggregate classification.